The following is an entry in ClinVar:

NM_000132.4(F8):c.1015A>C (p.Met339Leu)

Gene: F8 (coagulation factor VIII; minus strand). Cytogenetic location: Xq28.
Variant type: single nucleotide variant.
Coding change: c.1015A>C on transcript NM_000132.4 (MANE Select); coding-DNA position 1015, A replaced by C.
Protein change: p.Met339Leu; replaces methionine 339 with leucine.
Molecular consequence: missense variant.
Genome position (GRCh38, 1-based): chrX:154,966,682, T>G on the plus strand (A>C on the coding strand, the complement: F8 is on the minus strand). VCF-style: chrX-154966682-T-G. GRCh37 (hg19) VCF-style: chrX-154194957-T-G.
Other names: short protein forms M339L.
Identifiers: ClinVar variation 4688497 (VCV004688497.1).

ClinVar aggregate classification (germline): Uncertain significance (1 of 4 stars; one submission).

Submission:

Women's Health and Genetics/Laboratory Corporation of America, LabCorp
Classification: Uncertain significance. Last evaluated: 2025-12-08. Review status: criteria provided, single submitter. Criteria: LabCorp Variant Classification Summary - May 2015. Collection method: clinical testing. Allele origin: germline.
Comment: Variant summary: F8 c.1015A>C (p.Met339Leu) results in a conservative amino acid change in the encoded protein sequence. Algorithms developed to predict the effect of missense changes on protein structure and function are either unavailable or do not agree on the potential impact of this missense change. The variant was absent in 182555 control chromosomes. The available data on variant occurrences in the general population are insufficient to allow any conclusion about variant significance. To our knowledge, no occurrence of c.1015A>C in individuals affected with F8-related conditions and no experimental evidence demonstrating its impact on protein function have been reported. No submitters have cited clinical-significance assessments for this variant to ClinVar. Based on the evidence outlined above, the variant was classified as uncertain significance.